The following is an entry in ClinVar:

NM_004360.5(CDH1):c.2617G>A (p.Ala873Thr)

Gene: CDH1 (cadherin 1; plus strand). Cytogenetic location: 16q22.1.
Variant type: single nucleotide variant.
Coding change: c.2617G>A on transcript NM_004360.5 (MANE Select); coding-DNA position 2617, G replaced by A.
Protein change: p.Ala873Thr; replaces alanine 873 with threonine.
Molecular consequence: missense variant.
Genome position (GRCh38, 1-based): chr16:68,833,467, G>A. VCF-style: chr16-68833467-G-A. GRCh37 (hg19) VCF-style: chr16-68867370-G-A.
Other names: c.2434G>A, p.Ala812Thr (NM_001317184.2); c.1069G>A, p.Ala357Thr (NM_001317185.2); c.652G>A, p.Ala218Thr (NM_001317186.2); short protein forms A218T, A812T, A357T, A873T.
Identifiers: ClinVar variation 1793876 (VCV001793876.6), dbSNP rs2152144202, ClinGen allele CA396472758.

ClinVar aggregate classification (germline): Uncertain significance. Review status: criteria provided, multiple submitters, no conflicts (2 of 4 stars). 2 submissions from 2 submitters: Uncertain significance (2). Last evaluated 2024-12-27.

Conditions:
Hereditary cancer-predisposing syndrome. Also called: Neoplastic Syndromes, Hereditary; Tumor predisposition; Hereditary neoplastic syndrome; Hereditary Cancer Syndrome. Identifiers: Orphanet 140162, MedGen C0027672, MeSH D009386, MONDO:0015356.
Hereditary diffuse gastric adenocarcinoma (HDGC). Also called: DIFFUSE GASTRIC AND LOBULAR BREAST CANCER SYNDROME. Identifiers: Orphanet 26106, MedGen C1708349, MONDO:0007648, OMIM 137215.

Submissions (2):

Ambry Genetics
Classification: Uncertain significance for Hereditary cancer-predisposing syndrome. Last evaluated: 2024-12-27. Review status: criteria provided, single submitter. Criteria: Ambry Variant Classification Scheme 2023. Collection method: clinical testing. Allele origin: germline.
Comment: The p.A873T variant (also known as c.2617G>A), located in coding exon 16 of the CDH1 gene, results from a G to A substitution at nucleotide position 2617. The alanine at codon 873 is replaced by threonine, an amino acid with similar properties. This amino acid position is highly conserved in available vertebrate species. In addition, this alteration is predicted to be deleterious by in silico analysis. Since supporting evidence is limited at this time, the clinical significance of this alteration remains unclear.

Labcorp Genetics (formerly Invitae), Labcorp
Classification: Uncertain significance for Hereditary diffuse gastric adenocarcinoma. Last evaluated: 2023-08-03. Review status: criteria provided, single submitter. Criteria: Invitae Variant Classification Sherloc (09022015). Collection method: clinical testing. Allele origin: germline.
Comment: This variant has not been reported in the literature in individuals affected with CDH1-related conditions. This variant is not present in population databases (gnomAD no frequency). This sequence change replaces alanine, which is neutral and non-polar, with threonine, which is neutral and polar, at codon 873 of the CDH1 protein (p.Ala873Thr). ClinVar contains an entry for this variant (Variation ID: 1793876). In summary, the available evidence is currently insufficient to determine the role of this variant in disease. Therefore, it has been classified as a Variant of Uncertain Significance. An algorithm developed to predict the effect of missense changes on protein structure and function (PolyPhen-2) suggests that this variant is likely to be disruptive.